The following is an entry in ClinVar:

ClinVar aggregate classification (germline): Likely benign. Review status: reviewed by expert panel (3 of 4 stars). 8 submissions from 8 submitters: Likely benign (1). 7 of the submissions do not count toward it. Last evaluated 2017-06-29.

Conditions:
Breast-ovarian cancer, familial, susceptibility to, 2 (BROVCA2). Also called: BRCA2 Hereditary Breast and Ovarian Cancer. Identifiers: Orphanet 145, MedGen C2675520, MONDO:0012933, OMIM 612555. Disease mechanism: loss of function.
Hereditary cancer-predisposing syndrome. Also called: Neoplastic Syndromes, Hereditary; Hereditary Cancer Syndrome; Hereditary neoplastic syndrome; Tumor predisposition. Identifiers: Orphanet 140162, MedGen C0027672, MeSH D009386, MONDO:0015356.
Fanconi anemia complementation group D1. Also called: BRCA2-Related Fanconi Anemia. Identifiers: Orphanet 319462, MedGen C1838457, MONDO:0011584, OMIM 605724.
Wilms tumor 1 (WT1). Also called: Wilms tumor, somatic. Identifiers: Orphanet 654, MedGen CN033288, MONDO:0008679, OMIM 194070.
Familial cancer of breast. Also called: BREAST CANCER, FAMILIAL; Hereditary breast cancer; hereditary breast carcinoma. Identifiers: Orphanet 227535, MedGen C0346153, MONDO:0016419, OMIM 114480. Disease mechanism: loss of function.
Medulloblastoma (MDB). Also called: Medulloblastoma, somatic; MEDULLOBLASTOMA PREDISPOSITION SYNDROME. Identifiers: Orphanet 616, MedGen C0025149, MeSH D008527, MONDO:0007959, OMIM 155255, HP:0002885.
Prostate cancer. Also called: Malignant tumor of prostate. Identifiers: Orphanet 1331, MedGen C0376358, MONDO:0008315, HP:0012125.
Pancreatic cancer, susceptibility to, 2. Identifiers: Orphanet 1333, MedGen C3150546, MONDO:0013235, OMIM 613347.
Glioma susceptibility 3 (GLM3). Also called: Glioblastoma 3. Identifiers: Orphanet 182067, Orphanet 360, MedGen C2751641, MONDO:0013093, OMIM 613029.
Familial pancreatic carcinoma. Identifiers: Orphanet 1333, MedGen C2931038, MONDO:0015278, OMIM 260350.
Hereditary breast ovarian cancer syndrome. Also called: Hereditary breast and ovarian cancer syndrome; Breast and ovarian cancer; Hereditary breast and ovarian cancer syndrome (HBOC); Hereditary breast and/or ovarian cancer syndrome; Hereditary breast and ovarian cancer; BRCA1- and BRCA2-Associated Hereditary Breast and Ovarian Cancer. Identifiers: Orphanet 145, MedGen C0677776, MeSH D061325, MONDO:0003582. Disease mechanism: loss of function.

Allele frequency attached by ClinVar (database versions not stated): ExAC 0.00002; gnomAD exomes 0.00001; TOPMed 0.00003; gnomAD 0.00001.
gnomAD v4.1: 4 of 1,614,070 alleles (0.00025%); highest among the groups gnomAD compares: East Asian, 0.0089%; no homozygotes.

Submissions (8):

Evidence-based Network for the Interpretation of Germline Mutant Alleles (ENIGMA)
Classification: Likely benign for Breast-ovarian cancer, familial, susceptibility to, 2. Last evaluated: 2017-06-29. Review status: reviewed by expert panel. Criteria: ENIGMA BRCA1/2 Classification Criteria (2017-06-29). Collection method: curation. Allele origin: germline.
Comment: Synonymous substitution variant, with low bioinformatic likelihood to result in a splicing aberration (Splicing prior probability 0.02).

Labcorp Genetics (formerly Invitae), Labcorp
Classification: Likely benign for Hereditary breast ovarian cancer syndrome. Last evaluated: 2025-08-18. Review status: criteria provided, single submitter. Criteria: Invitae Variant Classification Sherloc (09022015). Collection method: clinical testing. Allele origin: germline. Not counted in ClinVar's aggregate classification.

All of Us Research Program, National Institutes of Health
Classification: Likely benign for Breast-ovarian cancer, familial, susceptibility to, 2. Last evaluated: 2023-08-15. Review status: criteria provided, single submitter. Criteria: ACMG Guidelines, 2015. Collection method: clinical testing. Allele origin: germline. Inheritance: Autosomal dominant inheritance. Observed: 2 variant alleles, 2 heterozygotes. Not counted in ClinVar's aggregate classification.
Comment: This study involves interpretation of variants in research participants for the purpose of population health screening. Participant phenotype was not available at the time of variant classification. Additional details can be found in publication PMID: 35346344, PMCID: PMC8962531

Department of Pathology and Laboratory Medicine, Sinai Health System
Classification: Likely benign for Familial pancreatic carcinoma. Last evaluated: 2023-06-20. Review status: criteria provided, single submitter. Criteria: ACMG Guidelines, 2015. Collection method: clinical testing. Allele origin: germline. Affected: yes. Not counted in ClinVar's aggregate classification.

Fulgent Genetics
Classification: Likely benign for Familial cancer of breast; Medulloblastoma; Familial prostate cancer; Wilms tumor 1; Fanconi anemia complementation group D1; Breast-ovarian cancer, familial, susceptibility to, 2; Glioma susceptibility 3; Pancreatic cancer, susceptibility to, 2. Last evaluated: 2022-04-04. Review status: criteria provided, single submitter. Criteria: ACMG Guidelines, 2015. Collection method: clinical testing. Allele origin: unknown. Not counted in ClinVar's aggregate classification.

Quest Diagnostics Nichols Institute San Juan Capistrano
Classification: Likely benign. Last evaluated: 2021-08-27. Review status: criteria provided, single submitter. Criteria: Quest Diagnostics criteria. Collection method: clinical testing. Allele origin: unknown. Not counted in ClinVar's aggregate classification.

Ambry Genetics
Classification: Likely benign for Hereditary cancer-predisposing syndrome. Last evaluated: 2019-09-20. Review status: criteria provided, single submitter. Criteria: Ambry Variant Classification Scheme 2023. Collection method: clinical testing. Allele origin: germline. Not counted in ClinVar's aggregate classification.

Color Diagnostics, LLC DBA Color Health
Classification: Likely benign for Hereditary cancer-predisposing syndrome. Last evaluated: 2016-07-18. Review status: criteria provided, single submitter. Criteria: ACMG Guidelines, 2015. Collection method: clinical testing. Allele origin: germline. Not counted in ClinVar's aggregate classification.

Literature cited by the submitters: PubMed 30287823 (cited by Quest Diagnostics Nichols Institute San Juan Capistrano).

NM_000059.4(BRCA2):c.10113T>C (p.Thr3371=)

Gene: BRCA2 (BRCA2 DNA repair associated; plus strand). Cytogenetic location: 13q13.1.
Variant type: single nucleotide variant.
Coding change: c.10113T>C on transcript NM_000059.4 (MANE Select); coding-DNA position 10113, T replaced by C.
Protein change: p.Thr3371=; no amino-acid change (threonine 3371 retained).
Molecular consequence: synonymous variant.
Genome position (GRCh38, 1-based): chr13:32,398,626, T>C. VCF-style: chr13-32398626-T-C. GRCh37 (hg19) VCF-style: chr13-32972763-T-C.
Identifiers: ClinVar variation 427477 (VCV000427477.24), dbSNP rs779075029, ClinGen allele CA6941474.